The following is an entry in ClinVar:

ClinVar aggregate classification (germline): Likely benign. Review status: criteria provided, multiple submitters, no conflicts (2 of 4 stars). 2 submissions from 2 submitters: Likely benign (2). Last evaluated 2026-04-23.

Conditions:
MYO18B-related disorder. Also called: MYO18B-related condition.

Allele frequency attached by ClinVar (database versions not stated): gnomAD 0.00003; gnomAD exomes 0.00004; TOPMed 0.00005; ExAC 0.00011.
gnomAD v4.1: 62 of 1,598,886 alleles (0.0039%); highest among the groups gnomAD compares: Middle Eastern, 0.017%; no homozygotes.

Submissions (2):

PreventionGenetics, part of Exact Sciences
Classification: Likely benign for MYO18B-related condition. Last evaluated: 2026-04-23. Review status: criteria provided, single submitter. Criteria: ACMG Guidelines, 2015. Collection method: clinical testing. Allele origin: germline.
Comment: This variant is classified as likely benign based on ACMG/AMP sequence variant interpretation guidelines (Richards et al. 2015 PMID: 25741868, with internal and published modifications).

Labcorp Genetics (formerly Invitae), Labcorp
Classification: Likely benign. Last evaluated: 2025-10-24. Review status: criteria provided, single submitter. Criteria: Invitae Variant Classification Sherloc (09022015). Collection method: clinical testing. Allele origin: germline.

NM_032608.7(MYO18B):c.822C>T (p.Gly274=)

Gene: MYO18B (myosin XVIIIB; plus strand). Cytogenetic location: 22q12.1.
Variant type: single nucleotide variant.
Coding change: c.822C>T on transcript NM_032608.7 (MANE Select); coding-DNA position 822, C replaced by T.
Protein change: p.Gly274=; no amino-acid change (glycine 274 retained).
Molecular consequence: synonymous variant.
Genome position (GRCh38, 1-based): chr22:25,768,738, C>T. VCF-style: chr22-25768738-C-T. GRCh37 (hg19) VCF-style: chr22-26164705-C-T.
Other names: c.822C>T (NM_032608.6); c.822C>T, p.Gly274= (NM_001318245.2).
Identifiers: ClinVar variation 1984153 (VCV001984153.5), dbSNP rs754287206, ClinGen allele CA10159698.
Genomic context (GRCh38, chr22:25,768,738, plus strand): 5'-AGAGGCTGAGCCCCAGGGCAAAGACAGGCAGGGGACCAGGCCCCAAGCCCAAGGGCCCGG[C>T]GAGGGGGTGCGACCAGGGAAAGCAGAGAAGGAGGGAGCAGAGCCCACAAACACGGTGGAA-3'
Protein context (NP_115997.5, residues 264-284): QGTRPQAQGP[Gly274=]EGVRPGKAEK